The following is an entry in ClinVar:

ClinVar aggregate classification (germline): Uncertain significance (1 of 4 stars; one submission).

Conditions:
Pitt-Hopkins-like syndrome 2 (PTHSL2). Identifiers: Orphanet 221150, Orphanet 600663, MedGen C3280479, MONDO:0013690, OMIM 614325.

Submission:

Labcorp Genetics (formerly Invitae), Labcorp
Classification: Uncertain significance for Pitt-Hopkins-like syndrome 2. Last evaluated: 2025-03-19. Review status: criteria provided, single submitter. Criteria: Invitae Variant Classification Sherloc (09022015). Collection method: clinical testing. Allele origin: germline.
Comment: This sequence change replaces serine, which is neutral and polar, with proline, which is neutral and non-polar, at codon 1372 of the NRXN1 protein (p.Ser1372Pro). This variant is not present in population databases (gnomAD no frequency). This variant has not been reported in the literature in individuals affected with NRXN1-related conditions. Invitae Evidence Modeling of protein sequence and biophysical properties (such as structural, functional, and spatial information, amino acid conservation, physicochemical variation, residue mobility, and thermodynamic stability) indicates that this missense variant is not expected to disrupt NRXN1 protein function with a negative predictive value of 80%. In summary, the available evidence is currently insufficient to determine the role of this variant in disease. Therefore, it has been classified as a Variant of Uncertain Significance.

NM_001330078.2(NRXN1):c.3994T>C (p.Ser1332Pro)

Gene: NRXN1 (neurexin 1; minus strand). Cytogenetic location: 2p16.3.
Variant type: single nucleotide variant.
Coding change: c.3994T>C on transcript NM_001330078.2 (MANE Select); coding-DNA position 3994, T replaced by C.
Protein change: p.Ser1332Pro; replaces serine 1332 with proline.
Molecular consequence: missense variant.
Genome position (GRCh38, 1-based): chr2:50,053,405, A>G on the plus strand (T>C on the coding strand, the complement: NRXN1 is on the minus strand). VCF-style: chr2-50053405-A-G. GRCh37 (hg19) VCF-style: chr2-50280543-A-G.
Other names: c.4114T>C, p.Ser1372Pro (NM_001135659.3); c.3970T>C, p.Ser1324Pro (NM_001330077.2, NM_001330082.2); c.3838T>C, p.Ser1280Pro (NM_001330083.2); c.3928T>C, p.Ser1310Pro (NM_001330084.2); c.3967T>C, p.Ser1323Pro (NM_001330085.2); c.3994T>C, p.Ser1332Pro (NM_001330086.2); c.3793T>C, p.Ser1265Pro (NM_001330087.2, NM_001330096.2); c.3823T>C, p.Ser1275Pro (NM_001330088.2); and 6 more; short protein forms S1331P, S1332P, S1265P, S1275P, S1310P, S1323P, S1324P, S1280P.
Identifiers: ClinVar variation 4738599 (VCV004738599.1).